The following is an entry in ClinVar:

NM_014679.5(CEP57):c.285A>C (p.Lys95Asn)

Gene: CEP57 (centrosomal protein 57; plus strand). Cytogenetic location: 11q21.
Variant type: single nucleotide variant.
Coding change: c.285A>C on transcript NM_014679.5 (MANE Select); coding-DNA position 285, A replaced by C.
Protein change: p.Lys95Asn; replaces lysine 95 with asparagine.
Molecular consequence: missense variant. On other transcripts: intron variant (3).
Genome position (GRCh38, 1-based): chr11:95,813,014, A>C. VCF-style: chr11-95813014-A-C. GRCh37 (hg19) VCF-style: chr11-95546178-A-C.
Other names: c.258A>C, p.Lys86Asn (NM_001243776.2); c.285A>C, p.Lys95Asn (NM_001243777.2, NM_001440871.1, NM_001440872.1 and 4 more transcripts); c.204A>C, p.Lys68Asn (NM_001363604.2, NM_001440869.1, NM_001440870.1 and 3 more transcripts); c.203-454A>C (NM_001440873.1, NM_001440881.1); c.122-454A>C (NM_001440880.1); short protein forms K68N, K86N, K95N.
Identifiers: ClinVar variation 4868742 (VCV004868742.1).

ClinVar aggregate classification (germline): Uncertain significance (1 of 4 stars; one submission).

Conditions:
Inborn genetic diseases. Identifiers: MedGen C0950123, MeSH D030342.

Submission:

Ambry Genetics
Classification: Uncertain significance for Inborn genetic diseases. Last evaluated: 2026-03-28. Review status: criteria provided, single submitter. Criteria: Ambry Variant Classification Scheme 2023. Collection method: clinical testing. Allele origin: germline.
Comment: The p.K95N variant (also known as c.285A>C), located in coding exon 3 of the CEP57 gene, results from an A to C substitution at nucleotide position 285. The lysine at codon 95 is replaced by asparagine, an amino acid with similar properties. This amino acid position is conserved. In addition, this alteration is predicted to be tolerated by in silico analysis. Based on the available evidence, the clinical significance of this variant remains unclear.